The following is an entry in ClinVar:

ClinVar aggregate classification (germline): Uncertain significance (1 of 4 stars; one submission).

Submission:

Labcorp Genetics (formerly Invitae), Labcorp
Classification: Uncertain significance. Last evaluated: 2022-03-01. Review status: criteria provided, single submitter. Criteria: Invitae Variant Classification Sherloc (09022015). Collection method: clinical testing. Allele origin: germline.
Comment: In summary, the available evidence is currently insufficient to determine the role of this variant in disease. Therefore, it has been classified as a Variant of Uncertain Significance. Algorithms developed to predict the effect of sequence changes on RNA splicing suggest that this variant may disrupt the consensus splice site. This variant has not been reported in the literature in individuals affected with NDUFB9-related conditions. This variant is not present in population databases (gnomAD no frequency). This sequence change falls in intron 1 of the NDUFB9 gene. It does not directly change the encoded amino acid sequence of the NDUFB9 protein.

NM_005005.3(NDUFB9):c.102-4T>G

Gene: NDUFB9 (NADH:ubiquinone oxidoreductase subunit B9; plus strand). Cytogenetic location: 8q24.13.
Variant type: single nucleotide variant.
Coding change: c.102-4T>G on transcript NM_005005.3 (MANE Select); 4 bases into the intron before coding-DNA position 102, T replaced by G.
Molecular consequence: intron variant.
Genome position (GRCh38, 1-based): chr8:124,543,083, T>G. VCF-style: chr8-124543083-T-G. GRCh37 (hg19) VCF-style: chr8-125555324-T-G.
Other names: c.-26-6T>G (NM_001278646.2); c.102-37T>G (NM_001311168.2); c.-32-39T>G (NM_001278645.2).
Identifiers: ClinVar variation 1966331 (VCV001966331.5), dbSNP rs2537399556, ClinGen allele CA2580078573.